The following is an entry in ClinVar:

NM_000038.6(APC):c.777G>A (p.Arg259=)

Gene: APC (APC regulator of Wnt signaling pathway; plus strand). Cytogenetic location: 5q22.2.
Variant type: single nucleotide variant.
Coding change: c.777G>A on transcript NM_000038.6 (MANE Select); coding-DNA position 777, G replaced by A.
Protein change: p.Arg259=; no amino-acid change (arginine 259 retained).
Molecular consequence: synonymous variant. On other transcripts: 5 prime UTR variant (1).
Genome position (GRCh38, 1-based): chr5:112,801,326, G>A. VCF-style: chr5-112801326-G-A. GRCh37 (hg19) VCF-style: chr5-112137023-G-A.
Other names: c.777G>A, p.Arg259= (NM_001127510.3, NM_001354895.2, NM_001354896.2 and 1 more transcripts); c.723G>A, p.Arg241= (NM_001127511.3); c.807G>A, p.Arg269= (NM_001354897.2, NM_001354902.2); c.702G>A, p.Arg234= (NM_001354898.2, NM_001354904.2); c.693G>A, p.Arg231= (NM_001354899.2); c.600G>A, p.Arg200= (NM_001354900.2, NM_001354901.2, NM_001354905.2); c.-259G>A (NM_001354906.2).
Identifiers: ClinVar variation 486766 (VCV000486766.15), dbSNP rs147704593, ClinGen allele CA445755628.

ClinVar aggregate classification (germline): Benign/Likely benign. Review status: criteria provided, multiple submitters, no conflicts (2 of 4 stars). 4 submissions from 4 submitters: Benign (1); Likely benign (3). Last evaluated 2025-10-25.

Conditions:
Hereditary cancer-predisposing syndrome. Also called: Tumor predisposition; Hereditary Cancer Syndrome; Hereditary neoplastic syndrome; Neoplastic Syndromes, Hereditary. Identifiers: Orphanet 140162, MedGen C0027672, MeSH D009386, MONDO:0015356.
Familial adenomatous polyposis 1 (FAP1). Also called: FAMILIAL ADENOMATOUS POLYPOSIS 1, ATTENUATED; POLYPOSIS, ADENOMATOUS INTESTINAL. Identifiers: MedGen C2713442, MONDO:0021056, OMIM 175100. Disease mechanism: loss of function.

gnomAD v4.1: 7 of 1,612,846 alleles (0.00043%); highest among the groups gnomAD compares: South Asian, 0.0066%; no homozygotes.

Submissions (4):

Labcorp Genetics (formerly Invitae), Labcorp
Classification: Likely benign for Familial adenomatous polyposis 1. Last evaluated: 2025-10-25. Review status: criteria provided, single submitter. Criteria: Invitae Variant Classification Sherloc (09022015). Collection method: clinical testing. Allele origin: germline.

Myriad Genetics, Inc.
Classification: Benign for Familial adenomatous polyposis 1. Last evaluated: 2024-02-26. Review status: criteria provided, single submitter. Criteria: Myriad Autosomal Dominant, Autosomal Recessive and X-Linked Classification Criteria (2023). Collection method: clinical testing. Allele origin: unknown.
Comment: This variant is considered benign. This variant is a silent/synonymous amino acid change and it is not expected to impact splicing.

Color Diagnostics, LLC DBA Color Health
Classification: Likely benign for Hereditary cancer-predisposing syndrome. Last evaluated: 2019-03-11. Review status: criteria provided, single submitter. Criteria: ACMG Guidelines, 2015. Collection method: clinical testing. Allele origin: germline.

Ambry Genetics
Classification: Likely benign for Hereditary cancer-predisposing syndrome. Last evaluated: 2016-09-22. Review status: criteria provided, single submitter. Criteria: Ambry Variant Classification Scheme 2023. Collection method: clinical testing. Allele origin: germline.